The following is an entry in ClinVar:

ClinVar aggregate classification (germline): Uncertain significance (1 of 4 stars; one submission).

Conditions:
Cardiovascular phenotype. Identifiers: MedGen CN230736.

gnomAD v4.1: 9 of 1,607,954 alleles (0.00056%); highest among the groups gnomAD compares: Non-Finnish European, 0.00076%; no homozygotes.

Submission:

Ambry Genetics
Classification: Uncertain significance for Cardiovascular phenotype. Last evaluated: 2026-01-05. Review status: criteria provided, single submitter. Criteria: Ambry Variant Classification Scheme 2023. Collection method: clinical testing. Allele origin: germline.
Comment: The p.A604V variant (also known as c.1811C>T), located in coding exon 14 of the ENG gene, results from a C to T substitution at nucleotide position 1811. The alanine at codon 604 is replaced by valine, an amino acid with similar properties. This amino acid position is conserved. In addition, the in silico prediction for this alteration is inconclusive. Based on the available evidence, the clinical significance of this variant remains unclear.

NM_001114753.3(ENG):c.1811C>T (p.Ala604Val)

Gene: ENG (endoglin; minus strand). Cytogenetic location: 9q34.11.
Variant type: single nucleotide variant.
Coding change: c.1811C>T on transcript NM_001114753.3 (MANE Select); coding-DNA position 1811, C replaced by T.
Protein change: p.Ala604Val; replaces alanine 604 with valine.
Molecular consequence: missense variant.
Genome position (GRCh38, 1-based): chr9:127,815,984, G>A on the plus strand (C>T on the coding strand, the complement: ENG is on the minus strand). VCF-style: chr9-127815984-G-A. GRCh37 (hg19) VCF-style: chr9-130578263-G-A.
Other names: c.1265C>T, p.Ala422Val (NM_001278138.2); c.1811C>T, p.Ala604Val (NM_000118.4); short protein forms A422V, A604V.
Identifiers: ClinVar variation 4843427 (VCV004843427.1).